The following is an entry in ClinVar:

ClinVar aggregate classification (germline): Conflicting classifications of pathogenicity. Review status: criteria provided, conflicting classifications (1 of 4 stars). 3 submissions from 3 submitters: Uncertain significance (2); Likely benign (1). Last evaluated 2024-07-24.

Allele frequency attached by ClinVar (database versions not stated): gnomAD 0.00002; gnomAD exomes 0.00002; ExAC 0.00003; TOPMed 0.00007.
gnomAD v4.1: 24 of 1,613,706 alleles (0.0015%); highest among the groups gnomAD compares: Middle Eastern, 0.016%; no homozygotes.

Submissions (3):

Labcorp Genetics (formerly Invitae), Labcorp
Classification: Likely benign. Last evaluated: 2024-07-24. Review status: criteria provided, single submitter. Criteria: Invitae Variant Classification Sherloc (09022015). Collection method: clinical testing. Allele origin: germline.

Revvity Omics, Revvity
Classification: Uncertain significance. Last evaluated: 2023-12-20. Review status: criteria provided, single submitter. Criteria: ACMG Guidelines, 2015. Collection method: clinical testing. Allele origin: germline.

Laboratorio de Genetica e Diagnostico Molecular, Hospital Israelita Albert Einstein
Classification: Uncertain significance. Last evaluated: 2019-05-24. Review status: criteria provided, single submitter. Criteria: ACMG Guidelines, 2015. Collection method: clinical testing. Allele origin: germline. Affected: yes.
Comment: ACMG classification criteria: PM2, BP4

NM_003126.4(SPTA1):c.4580C>G (p.Ser1527Cys)

Gene: SPTA1 (spectrin alpha, erythrocytic 1; minus strand). Cytogenetic location: 1q23.1.
Variant type: single nucleotide variant.
Coding change: c.4580C>G on transcript NM_003126.4 (MANE Select); coding-DNA position 4580, C replaced by G.
Protein change: p.Ser1527Cys; replaces serine 1527 with cysteine.
Molecular consequence: missense variant.
Genome position (GRCh38, 1-based): chr1:158,642,839, G>C on the plus strand (C>G on the coding strand, the complement: SPTA1 is on the minus strand). VCF-style: chr1-158642839-G-C. GRCh37 (hg19) VCF-style: chr1-158612629-G-C.
Other names: short protein forms S1527C.
Identifiers: ClinVar variation 1690920 (VCV001690920.5), dbSNP rs746382885, ClinGen allele CA1182654.